The following is an entry in ClinVar:

ClinVar aggregate classification (germline): Likely benign. Review status: criteria provided, multiple submitters, no conflicts (2 of 4 stars). 4 submissions from 4 submitters: Likely benign (4). Last evaluated 2026-02-01.

Allele frequency attached by ClinVar (database versions not stated): gnomAD 0.00018 and 0.00019; TOPMed 0.00018; 1000 Genomes Project 0.00020; gnomAD exomes 0.00020; 1000 Genomes Project 30x 0.00031.
gnomAD v4.1: 306 of 1,551,392 alleles (0.02%); highest among the groups gnomAD compares: Admixed American, 0.035%; no homozygotes.

Submissions (4):

CeGaT Center for Human Genetics Tuebingen
Classification: Likely benign. Last evaluated: 2026-02-01. Review status: criteria provided, single submitter. Criteria: CeGaT Center For Human Genetics Tuebingen Variant Classification Criteria Version 2. Collection method: clinical testing. Allele origin: germline. Affected: yes. Observed: 1 variant allele.
Comment: RIPOR2: BP4, BP7

Labcorp Genetics (formerly Invitae), Labcorp
Classification: Likely benign. Last evaluated: 2025-09-24. Review status: criteria provided, single submitter. Criteria: Invitae Variant Classification Sherloc (09022015). Collection method: clinical testing. Allele origin: germline.

GeneDx
Classification: Likely benign. Last evaluated: 2020-10-20. Review status: criteria provided, single submitter. Criteria: GeneDx Variant Classification Process June 2021. Collection method: clinical testing. Allele origin: germline. Affected: yes.

Athena Diagnostics
Classification: Likely benign. Last evaluated: 2019-12-10. Review status: criteria provided, single submitter. Criteria: Athena Diagnostics Criteria. Collection method: clinical testing. Allele origin: unknown.

NM_001286445.3(RIPOR2):c.2592C>T (p.Phe864=)

Gene: RIPOR2 (RHO family interacting cell polarization regulator 2; minus strand). Cytogenetic location: 6p22.3.
Variant type: single nucleotide variant.
Coding change: c.2592C>T on transcript NM_001286445.3 (MANE Select); coding-DNA position 2592, C replaced by T.
Protein change: p.Phe864=; no amino-acid change (phenylalanine 864 retained).
Molecular consequence: synonymous variant.
Genome position (GRCh38, 1-based): chr6:24,828,210, G>A on the plus strand (C>T on the coding strand, the complement: RIPOR2 is on the minus strand). VCF-style: chr6-24828210-G-A. GRCh37 (hg19) VCF-style: chr6-24828438-G-A.
Other names: c.2505C>T, p.Phe835= (NM_001346031.2, NM_001346032.2); c.2655C>T, p.Phe885= (NM_014722.5).
Identifiers: ClinVar variation 994449 (VCV000994449.11), dbSNP rs568529825, ClinGen allele CA136168856.